The following is an entry in ClinVar:

ClinVar aggregate classification (germline): Uncertain significance (1 of 4 stars; one submission).

Conditions:
Werner syndrome (WRN). Identifiers: Orphanet 902, MedGen C0043119, MONDO:0010196, OMIM 277700.

Allele frequency attached by ClinVar (database versions not stated): ExAC 0.00001; gnomAD 0.00001.
gnomAD v4.1: 1 of 1,613,512 alleles (0.000062%); highest among the groups gnomAD compares: East Asian, 0.0022%; no homozygotes.

Submission:

Labcorp Genetics (formerly Invitae), Labcorp
Classification: Uncertain significance for Werner syndrome. Last evaluated: 2022-02-04. Review status: criteria provided, single submitter. Criteria: Invitae Variant Classification Sherloc (09022015). Collection method: clinical testing. Allele origin: germline.
Comment: This sequence change affects codon 942 of the WRN mRNA. It is a 'silent' change, meaning that it does not change the encoded amino acid sequence of the WRN protein. It affects a nucleotide within the consensus splice site. This variant is present in population databases (rs778590283, gnomAD 0.006%). This variant has not been reported in the literature in individuals affected with WRN-related conditions. Algorithms developed to predict the effect of sequence changes on RNA splicing suggest that this variant may create or strengthen a splice site. In summary, the available evidence is currently insufficient to determine the role of this variant in disease. Therefore, it has been classified as a Variant of Uncertain Significance.

NM_000553.6(WRN):c.2826A>G (p.Arg942=)

Gene: WRN (WRN RecQ like helicase; plus strand). Cytogenetic location: 8p12.
Variant type: single nucleotide variant.
Coding change: c.2826A>G on transcript NM_000553.6 (MANE Select); coding-DNA position 2826, A replaced by G.
Protein change: p.Arg942=; no amino-acid change (arginine 942 retained).
Molecular consequence: synonymous variant.
Genome position (GRCh38, 1-based): chr8:31,132,365, A>G. VCF-style: chr8-31132365-A-G. GRCh37 (hg19) VCF-style: chr8-30989881-A-G.
Identifiers: ClinVar variation 2172270 (VCV002172270.1), dbSNP rs778590283, ClinGen allele CA4704870.